The following is an entry in ClinVar:

ClinVar aggregate classification (germline): Uncertain significance (1 of 4 stars; one submission).

Allele frequency attached by ClinVar (database versions not stated): gnomAD exomes below 0.00001.

Submission:

Labcorp Genetics (formerly Invitae), Labcorp
Classification: Uncertain significance. Last evaluated: 2022-07-05. Review status: criteria provided, single submitter. Criteria: Invitae Variant Classification Sherloc (09022015). Collection method: clinical testing. Allele origin: germline.
Comment: This variant is not present in population databases (gnomAD no frequency). This sequence change replaces leucine, which is neutral and non-polar, with serine, which is neutral and polar, at codon 1240 of the SON protein (p.Leu1240Ser). Algorithms developed to predict the effect of missense changes on protein structure and function are either unavailable or do not agree on the potential impact of this missense change (SIFT: "Deleterious"; PolyPhen-2: "Probably Damaging"; Align-GVGD: "Class C0"). In summary, the available evidence is currently insufficient to determine the role of this variant in disease. Therefore, it has been classified as a Variant of Uncertain Significance. ClinVar contains an entry for this variant (Variation ID: 1375918). This variant has not been reported in the literature in individuals affected with SON-related conditions.

NM_138927.4(SON):c.3719T>C (p.Leu1240Ser)

Gene: SON (SON DNA and RNA binding protein; plus strand). Cytogenetic location: 21q22.11.
Variant type: single nucleotide variant.
Coding change: c.3719T>C on transcript NM_138927.4 (MANE Select); coding-DNA position 3719, T replaced by C.
Protein change: p.Leu1240Ser; replaces leucine 1240 with serine.
Molecular consequence: missense variant. On other transcripts: non-coding transcript variant (1), intron variant (1).
Genome position (GRCh38, 1-based): chr21:33,552,950, T>C. VCF-style: chr21-33552950-T-C. GRCh37 (hg19) VCF-style: chr21-34925256-T-C.
Other names: c.3719T>C, p.Leu1240Ser (NM_001291411.2, NM_032195.3); c.245-4206T>C (NM_001291412.3); short protein forms L1240S.
Identifiers: ClinVar variation 1375918 (VCV001375918.8), dbSNP rs2145830044, ClinGen allele CA410160783.